The following is an entry in ClinVar:

NM_001384474.1(LOXHD1):c.313A>G (p.Ile105Val)

Gene: LOXHD1 (lipoxygenase homology PLAT domains 1; minus strand). Cytogenetic location: 18q21.1.
Variant type: single nucleotide variant.
Coding change: c.313A>G on transcript NM_001384474.1 (MANE Select); coding-DNA position 313, A replaced by G.
Protein change: p.Ile105Val; replaces isoleucine 105 with valine.
Molecular consequence: missense variant.
Genome position (GRCh38, 1-based): chr18:46,641,969, T>C on the plus strand (A>G on the coding strand, the complement: LOXHD1 is on the minus strand). VCF-style: chr18-46641969-T-C. GRCh37 (hg19) VCF-style: chr18-44221932-T-C.
Other names: c.313A>G (NM_144612.6); c.313A>G, p.Ile105Val (NM_144612.7); short protein forms I105V.
Identifiers: ClinVar variation 1379783 (VCV001379783.5), dbSNP rs1297459733, ClinGen allele CA402370646.

ClinVar aggregate classification (germline): Uncertain significance. Review status: criteria provided, multiple submitters, no conflicts (2 of 4 stars). 2 submissions from 2 submitters: Uncertain significance (2). Last evaluated 2025-06-24.

Conditions:
Inborn genetic diseases. Identifiers: MedGen C0950123, MeSH D030342.

Allele frequency attached by ClinVar (database versions not stated): gnomAD 0.00002; TOPMed 0.00002; gnomAD exomes 0.00004 and 0.00007.
gnomAD v4.1: 94 of 1,552,082 alleles (0.0061%); highest among the groups gnomAD compares: Non-Finnish European, 0.0078%; no homozygotes.

Submissions (2):

Ambry Genetics
Classification: Uncertain significance for Inborn genetic diseases. Last evaluated: 2025-06-24. Review status: criteria provided, single submitter. Criteria: Ambry Variant Classification Scheme 2023. Collection method: clinical testing. Allele origin: germline.

Labcorp Genetics (formerly Invitae), Labcorp
Classification: Uncertain significance. Last evaluated: 2021-11-20. Review status: criteria provided, single submitter. Criteria: Invitae Variant Classification Sherloc (09022015). Collection method: clinical testing. Allele origin: germline.
Comment: This sequence change replaces isoleucine, which is neutral and non-polar, with valine, which is neutral and non-polar, at codon 105 of the LOXHD1 protein (p.Ile105Val). This variant is present in population databases (no rsID available, gnomAD 0.02%). This variant has not been reported in the literature in individuals affected with LOXHD1-related conditions. Algorithms developed to predict the effect of missense changes on protein structure and function output the following: SIFT: "Tolerated"; PolyPhen-2: "Not Available"; Align-GVGD: "Class C0". The valine amino acid residue is found in multiple mammalian species, which suggests that this missense change does not adversely affect protein function. In summary, the available evidence is currently insufficient to determine the role of this variant in disease. Therefore, it has been classified as a Variant of Uncertain Significance.